The following is an entry in ClinVar:

ClinVar aggregate classification (germline): Uncertain significance (1 of 4 stars; one submission).

Conditions:
Wilms tumor 1 (WT1). Also called: Wilms tumor, somatic. Identifiers: Orphanet 654, MedGen CN033288, MONDO:0008679, OMIM 194070.

Allele frequency attached by ClinVar (database versions not stated): gnomAD exomes below 0.00001; gnomAD 0.00002.
gnomAD v4.1: 4 of 1,203,599 alleles (0.00033%); highest among the groups gnomAD compares: Non-Finnish European, 0.00045%; no homozygotes.

Submission:

Labcorp Genetics (formerly Invitae), Labcorp
Classification: Uncertain significance for Wilms tumor 1. Last evaluated: 2024-07-22. Review status: criteria provided, single submitter. Criteria: Invitae Variant Classification Sherloc (09022015). Collection method: clinical testing. Allele origin: germline.
Comment: This sequence change replaces glycine, which is neutral and non-polar, with serine, which is neutral and polar, at codon 499 of the GPC3 protein (p.Gly499Ser). This variant is present in population databases (no rsID available, gnomAD 0.02%). This variant has not been reported in the literature in individuals affected with GPC3-related conditions. ClinVar contains an entry for this variant (Variation ID: 1037777). An algorithm developed to predict the effect of missense changes on protein structure and function (PolyPhen-2) suggests that this variant is likely to be disruptive. In summary, the available evidence is currently insufficient to determine the role of this variant in disease. Therefore, it has been classified as a Variant of Uncertain Significance.

NM_004484.4(GPC3):c.1495G>A (p.Gly499Ser)

Gene: GPC3 (glypican 3; minus strand). Cytogenetic location: Xq26.2.
Variant type: single nucleotide variant.
Coding change: c.1495G>A on transcript NM_004484.4 (MANE Select); coding-DNA position 1495, G replaced by A.
Protein change: p.Gly499Ser; replaces glycine 499 with serine.
Molecular consequence: missense variant.
Genome position (GRCh38, 1-based): chrX:133,596,518, C>T on the plus strand (G>A on the coding strand, the complement: GPC3 is on the minus strand). VCF-style: chrX-133596518-C-T. GRCh37 (hg19) VCF-style: chrX-132730546-C-T.
Other names: c.1564G>A, p.Gly522Ser (NM_001164617.2); c.1447G>A, p.Gly483Ser (NM_001164618.2); c.1333G>A, p.Gly445Ser (NM_001164619.2); short protein forms G445S, G522S, G499S, G483S.
Identifiers: ClinVar variation 1037777 (VCV001037777.9), dbSNP rs995058278, ClinGen allele CA335970535.